The following is an entry in ClinVar:

ClinVar aggregate classification (germline): Uncertain significance (1 of 4 stars; one submission).

Conditions:
Granulomatous disease, chronic, autosomal recessive, cytochrome b-negative. Also called: CGD DUE TO DEFICIENCY OF THE ALPHA SUBUNIT OF CYTOCHROME b; CGD, AUTOSOMAL RECESSIVE CYTOCHROME b-NEGATIVE; GRANULOMATOUS DISEASE, CHRONIC, AUTOSOMAL RECESSIVE, 4; CYBA DEFICIENCY; Chronic granulomatous disease, autosomal, due to deficiency of CYBA. Identifiers: Orphanet 379, MedGen C1856255, MONDO:0009308, OMIM 233690.

Submission:

Labcorp Genetics (formerly Invitae), Labcorp
Classification: Uncertain significance for Granulomatous disease, chronic, autosomal recessive, cytochrome b-negative. Last evaluated: 2022-07-06. Review status: criteria provided, single submitter. Criteria: Invitae Variant Classification Sherloc (09022015). Collection method: clinical testing. Allele origin: germline.
Comment: In summary, the available evidence is currently insufficient to determine the role of this variant in disease. Therefore, it has been classified as a Variant of Uncertain Significance. Algorithms developed to predict the effect of missense changes on protein structure and function are either unavailable or do not agree on the potential impact of this missense change (SIFT: "Deleterious"; PolyPhen-2: "Probably Damaging"; Align-GVGD: "Class C0"). ClinVar contains an entry for this variant (Variation ID: 1045101). This variant has not been reported in the literature in individuals affected with CYBA-related conditions. This variant is not present in population databases (gnomAD no frequency). This sequence change replaces proline, which is neutral and non-polar, with leucine, which is neutral and non-polar, at codon 159 of the CYBA protein (p.Pro159Leu).

NM_000101.4(CYBA):c.476C>T (p.Pro159Leu)

Gene: CYBA (cytochrome b-245 alpha chain; minus strand). Cytogenetic location: 16q24.2.
Variant type: single nucleotide variant.
Coding change: c.476C>T on transcript NM_000101.4 (MANE Select); coding-DNA position 476, C replaced by T.
Protein change: p.Pro159Leu; replaces proline 159 with leucine.
Molecular consequence: missense variant.
Genome position (GRCh38, 1-based): chr16:88,643,465, G>A on the plus strand (C>T on the coding strand, the complement: CYBA is on the minus strand). VCF-style: chr16-88643465-G-A. GRCh37 (hg19) VCF-style: chr16-88709873-G-A.
Other names: short protein forms P159L.
Identifiers: ClinVar variation 1045101 (VCV001045101.9), dbSNP rs1907157836, ClinGen allele CA397057034.